The following is an entry in ClinVar:

NM_001130438.3(SPTAN1):c.5572A>C (p.Lys1858Gln)

Gene: SPTAN1 (spectrin alpha, non-erythrocytic 1; plus strand). Cytogenetic location: 9q34.11.
Variant type: single nucleotide variant.
Coding change: c.5572A>C on transcript NM_001130438.3 (MANE Select); coding-DNA position 5572, A replaced by C.
Protein change: p.Lys1858Gln; replaces lysine 1858 with glutamine.
Molecular consequence: missense variant.
Genome position (GRCh38, 1-based): chr9:128,618,080, A>C. VCF-style: chr9-128618080-A-C. GRCh37 (hg19) VCF-style: chr9-131380359-A-C.
Other names: c.5572A>C, p.Lys1858Gln (NM_001375311.2, NM_001375313.1, NM_001363759.2 and 1 more transcripts); c.5608A>C, p.Lys1870Gln (NM_001375312.2, NM_001375318.1); c.5512A>C, p.Lys1838Gln (NM_001375314.2, NM_001363765.2); c.5557A>C, p.Lys1853Gln (NM_003127.4); c.5497A>C, p.Lys1833Gln (NM_001195532.2); short protein forms K1858Q, K1833Q, K1838Q, K1870Q, K1853Q.
Identifiers: ClinVar variation 3687832 (VCV003687832.2).

ClinVar aggregate classification (germline): Uncertain significance (1 of 4 stars; one submission).

Conditions:
Early-infantile DEE. Also called: Ohtahara syndrome; Early infantile epileptic encephalopathy with suppression bursts; Early infantile epileptic encephalopathy. Identifiers: Orphanet 1934, MedGen C0393706, MONDO:0800491.

Submission:

Labcorp Genetics (formerly Invitae), Labcorp
Classification: Uncertain significance for Early-infantile DEE. Last evaluated: 2024-06-05. Review status: criteria provided, single submitter. Criteria: Invitae Variant Classification Sherloc (09022015). Collection method: clinical testing. Allele origin: germline.
Comment: This sequence change replaces lysine, which is basic and polar, with glutamine, which is neutral and polar, at codon 1858 of the SPTAN1 protein (p.Lys1858Gln). This variant is not present in population databases (gnomAD no frequency). This variant has not been reported in the literature in individuals affected with SPTAN1-related conditions. Algorithms developed to predict the effect of missense changes on protein structure and function output the following: SIFT: "Not Available"; PolyPhen-2: "Benign"; Align-GVGD: "Not Available". The glutamine amino acid residue is found in multiple mammalian species, which suggests that this missense change does not adversely affect protein function. In summary, the available evidence is currently insufficient to determine the role of this variant in disease. Therefore, it has been classified as a Variant of Uncertain Significance.